The following is an entry in ClinVar:

NM_015488.5(PNKD):c.229C>G (p.Leu77Val)

Gene: PNKD (PNKD metallo-beta-lactamase domain containing; plus strand). Cytogenetic location: 2q35.
Variant type: single nucleotide variant.
Coding change: c.229C>G on transcript NM_015488.5 (MANE Select); coding-DNA position 229, C replaced by G.
Protein change: p.Leu77Val; replaces leucine 77 with valine.
Molecular consequence: missense variant.
Genome position (GRCh38, 1-based): chr2:218,271,542, C>G. VCF-style: chr2-218271542-C-G. GRCh37 (hg19) VCF-style: chr2-219136265-C-G.
Other names: c.229C>G, p.Leu77Val (NM_001077399.3); short protein forms L77V.
Identifiers: ClinVar variation 840466 (VCV000840466.9), dbSNP rs1004791945, ClinGen allele CA65747650.

ClinVar aggregate classification (germline): Uncertain significance (1 of 4 stars; one submission).

Conditions:
Paroxysmal nonkinesigenic dyskinesia. Also called: Paroxysmal non-kinesigenic dyskinesia. Identifiers: Orphanet 98810, MedGen C1869117, MONDO:0700088.

Allele frequency attached by ClinVar (database versions not stated): gnomAD exomes below 0.00001; TOPMed below 0.00001.
gnomAD v4.1: 1 of 1,614,158 alleles (0.000062%); highest among the groups gnomAD compares: Admixed American, 0.0017%; no homozygotes.

Submission:

Labcorp Genetics (formerly Invitae), Labcorp
Classification: Uncertain significance for Paroxysmal nonkinesigenic dyskinesia. Last evaluated: 2025-10-27. Review status: criteria provided, single submitter. Criteria: Invitae Variant Classification Sherloc (09022015). Collection method: clinical testing. Allele origin: germline.
Comment: This sequence change replaces leucine, which is neutral and non-polar, with valine, which is neutral and non-polar, at codon 77 of the PNKD protein (p.Leu77Val). This variant is not present in population databases (gnomAD no frequency). This variant has not been reported in the literature in individuals affected with PNKD-related conditions. ClinVar contains an entry for this variant (Variation ID: 840466). An algorithm developed to predict the effect of missense changes on protein structure and function outputs the following: PolyPhen-2: "Benign". The valine amino acid residue is found in multiple mammalian species, which suggests that this missense change does not adversely affect protein function. In summary, the available evidence is currently insufficient to determine the role of this variant in disease. Therefore, it has been classified as a Variant of Uncertain Significance.